The following is an entry in ClinVar:

ClinVar aggregate classification (germline): Pathogenic (1 of 4 stars; one submission).

Conditions:
Familial cancer of breast. Also called: BREAST CANCER, FAMILIAL; Hereditary breast cancer; hereditary breast carcinoma. Identifiers: Orphanet 227535, MedGen C0346153, MONDO:0016419, OMIM 114480. Disease mechanism: loss of function.

Submission:

Myriad Genetics, Inc.
Classification: Pathogenic for Familial cancer of breast. Last evaluated: 2024-01-05. Review status: criteria provided, single submitter. Criteria: Myriad Autosomal Dominant, Autosomal Recessive and X-Linked Classification Criteria (2023). Collection method: clinical testing. Allele origin: unknown.
Comment: This variant is considered pathogenic. This variant creates a frameshift predicted to result in premature protein truncation.

NM_000051.4(ATM):c.62_63del (p.Thr21fs)

Gene: ATM (ATM serine/threonine kinase; plus strand). Cytogenetic location: 11q22.3.
Variant type: Deletion.
Coding change: c.62_63del on transcript NM_000051.4 (MANE Select); coding-DNA positions 62 to 63, 2 bases deleted (CA; older notation c.62_63delCA).
Protein change: p.Thr21fs; shifts the reading frame from threonine 21.
Molecular consequence: frameshift variant.
Genome position (GRCh38, 1-based): chr11:108,227,686-108,227,687, CA deleted; deleting any 2 consecutive bases within chr11:108,227,685-108,227,687 gives the same sequence; the c. name uses the placement nearest the transcript's 3' end. VCF-style (leftmost placement, unchanged base first): chr11-108227684-TAC-T. GRCh37 (hg19) VCF-style: chr11-108098411-TAC-T.
Other names: c.62_63del, p.Thr21fs (NM_001351834.2, NM_001351835.2, NM_001351836.2); short protein forms T21fs.
Identifiers: ClinVar variation 3148603 (VCV003148603.1), dbSNP rs2496890055, ClinGen allele CA2825001738.